The following is an entry in ClinVar:

NM_001347721.2(DYRK1A):c.637+2dup

Gene: DYRK1A (dual specificity tyrosine phosphorylation regulated kinase 1A; plus strand). Cytogenetic location: 21q22.13.
Variant type: Duplication.
Coding change: c.637+2dup on transcript NM_001347721.2 (MANE Select); the canonical splice donor site of the intron after coding-DNA position 637, one base duplicated (T; older notation c.637+2dupT).
Molecular consequence: splice donor variant.
Genome position (GRCh38, 1-based): chr21:37,486,616, T duplicated. VCF-style (leftmost placement, unchanged base first): chr21-37486615-G-GT. GRCh37 (hg19) VCF-style: chr21-38858917-G-GT.
Other names: c.664+2dup (NM_001396.5, NM_101395.2, NM_130438.2); c.637+2dup (NM_001347722.2, NM_130436.2); c.550+2dup (NM_001347723.2).
Identifiers: ClinVar variation 1320058 (VCV001320058.1), dbSNP rs2148601107, ClinGen allele CA2573054932.
Genomic context (GRCh38, chr21:37,486,615, plus strand): 5'-TAGAAGTGCGACTTCTTGAGCTCATGAACAAACATGACACTGAAATGAAATACTACATAG[G>GT]TAAACAAACAGGCAAACAGCGCAGTGTGCCCCAACCCACACCAAAACTTTGAGTTAATGG-3'

ClinVar aggregate classification (germline): Pathogenic (1 of 4 stars; one submission).

Conditions:
DYRK1A-related intellectual disability syndrome (MRD7). Also called: DYRK1A Syndrome; Intellectual developmental disorder, autosomal dominant 7. Identifiers: Orphanet 464306, MedGen C5568143, MONDO:0013578, OMIM 614104.

Submission:

3billion
Classification: Pathogenic for DYRK1A-related intellectual disability syndrome. Last evaluated: 2021-10-02. Review status: criteria provided, single submitter. Criteria: ACMG Guidelines, 2015. Collection method: clinical testing. Allele origin: germline. Affected: yes. Observed: 1 heterozygote.
Comment: Canonical splice site: predicted to alter splicing and result in a loss or disruption of normal protein function through nonsense-mediated decay (NMD) or protein truncation. Multiple pathogenic variants are reported downstream of the variant (PVS1_VS). The variant was observed as assumed (i.e. paternity and maternity not confirmed) de novoo (3billion dataset, PM6). It is not observed in the gnomAD v2.1.1 dataset (PM2). Therefore, this variant is classified as pathogenic according to the recommendation of ACMG/AMP guideline